The following is an entry in ClinVar:

ClinVar aggregate classification (germline): Pathogenic/Likely pathogenic. Review status: criteria provided, multiple submitters, no conflicts (2 of 4 stars). 6 submissions from 6 submitters: Pathogenic (4); Likely pathogenic (2). Last evaluated 2025-10-02.

Conditions:
ATP6V0A4-related disorder. Also called: ATP6V0A4-related condition.
Autosomal recessive distal renal tubular acidosis. Identifiers: Orphanet 402041, MedGen C1864498, MONDO:0018440.
Renal tubular acidosis, distal, 3, with or without sensorineural hearing loss (DRTA3). Identifiers: MedGen C5399980, MONDO:0011268, OMIM 602722.

Allele frequency attached by ClinVar (database versions not stated): gnomAD exomes below 0.00001 and 0.00001; ExAC 0.00001; gnomAD 0.00001 and 0.00002; TOPMed 0.00001.

Submissions (6):

GeneDx
Classification: Pathogenic. Last evaluated: 2025-10-02. Review status: criteria provided, single submitter. Criteria: GeneDx Variant Classification Process June 2021. Collection method: clinical testing. Allele origin: germline. Affected: yes.
Comment: Intronic variant directly or indirectly altering the +5 splice site in a gene for which loss of function is a known mechanism of disease, and splice predictors support a deleterious effect; Not observed at significant frequency in large population cohorts (gnomAD); This variant is associated with the following publications: (PMID: 36165107, 27247958, 12414817)

Labcorp Genetics (formerly Invitae), Labcorp
Classification: Pathogenic. Last evaluated: 2025-03-05. Review status: criteria provided, single submitter. Criteria: Invitae Variant Classification Sherloc (09022015). Collection method: clinical testing. Allele origin: germline.
Comment: This sequence change falls in intron 16 of the ATP6V0A4 gene. It does not directly change the encoded amino acid sequence of the ATP6V0A4 protein. It affects a nucleotide within the consensus splice site. This variant is present in population databases (rs753232747, gnomAD 0.006%). This variant has been observed in individuals with distal renal tubular acidosis (PMID: 12414817). This variant is also known as IVS17+2–+3insT. ClinVar contains an entry for this variant (Variation ID: 802370). Variants that disrupt the consensus splice site are a relatively common cause of aberrant splicing (PMID: 17576681, 9536098). Algorithms developed to predict the effect of sequence changes on RNA splicing suggest that this variant may disrupt the consensus splice site. For these reasons, this variant has been classified as Pathogenic.

Dasa
Classification: Likely pathogenic. Last evaluated: 2025-01-28. Review status: criteria provided, single submitter. Criteria: DASA Assertion Criteria. Collection method: clinical testing. Allele origin: germline.
Comment: NM_020632.3(ATP6V0A4):c.1691+2dup affects a canonical splice site and is predicted to disrupt normal RNA splicing. This variant affects a canonical splice-site context with prior evidence supporting clinical relevance. This variant has been reported in individuals with ATP6V0A4-related disorders (PMID: 27247958). Also, this variant is rare in population databases. Computational evidence supports a deleterious effect. Based on the currently available evidence, this variant is classified as likely pathogenic.

Blueprint Genetics
Classification: Pathogenic for ATP6V0A4-related disorders. Last evaluated: 2024-10-07. Review status: criteria provided, single submitter. Criteria: ACMG Guidelines, 2015. Collection method: clinical testing. Allele origin: germline. Affected: yes. Observed: 5 variant alleles.

Fulgent Genetics
Classification: Pathogenic for Renal tubular acidosis, distal, 3, with or without sensorineural hearing loss. Last evaluated: 2024-06-01. Review status: criteria provided, single submitter. Criteria: ACMG Guidelines, 2015. Collection method: clinical testing. Allele origin: germline.

Mendelics
Classification: Likely pathogenic for Renal tubular acidosis, distal, 3, with or without sensorineural hearing loss. Last evaluated: 2019-05-28. Review status: criteria provided, single submitter. Criteria: Mendelics Assertion Criteria 2017. Collection method: clinical testing. Allele origin: unknown.

Literature cited by the submitters: PubMed 12414817 (cited by Labcorp Genetics (formerly Invitae), Labcorp); PubMed 17576681 (cited by Labcorp Genetics (formerly Invitae), Labcorp); PubMed 9536098 (cited by Labcorp Genetics (formerly Invitae), Labcorp); PubMed 27247958 (cited by Dasa).

NM_020632.3(ATP6V0A4):c.1691+2dup

Gene: ATP6V0A4 (ATPase H+ transporting V0 subunit a4; minus strand). Cytogenetic location: 7q34.
Variant type: Duplication.
Coding change: c.1691+2dup on transcript NM_020632.3 (MANE Select); the canonical splice donor site of the intron after coding-DNA position 1691, one base duplicated (T; older notation c.1691+2dupT).
Molecular consequence: splice donor variant.
Genome position (GRCh38, 1-based): chr7:138,734,134, A duplicated on the plus strand (T on the coding strand, the reverse complement: ATP6V0A4 is on the minus strand). VCF-style (leftmost placement, unchanged base first): chr7-138734133-T-TA. GRCh37 (hg19) VCF-style: chr7-138418878-T-TA.
Other names: c.1691+2dup (NM_130840.3, NM_130841.3).
Identifiers: ClinVar variation 802370 (VCV000802370.15), dbSNP rs753232747, ClinGen allele CA4504685.